The following is an entry in ClinVar:

NM_032380.5(GFM2):c.1227A>T (p.Arg409Ser)

Gene: GFM2 (GTP dependent ribosome recycling factor mitochondrial 2; minus strand). Cytogenetic location: 5q13.3.
Variant type: single nucleotide variant.
Coding change: c.1227A>T on transcript NM_032380.5 (MANE Select); coding-DNA position 1227, A replaced by T.
Protein change: p.Arg409Ser; replaces arginine 409 with serine.
Molecular consequence: missense variant. On other transcripts: non-coding transcript variant (1).
Genome position (GRCh38, 1-based): chr5:74,738,411, T>A on the plus strand (A>T on the coding strand, the complement: GFM2 is on the minus strand). VCF-style: chr5-74738411-T-A. GRCh37 (hg19) VCF-style: chr5-74034236-T-A.
Other names: c.1323A>T, p.Arg441Ser (NM_001281302.2); c.1227A>T, p.Arg409Ser (NM_170681.3); c.1086A>T, p.Arg362Ser (NM_170691.3); short protein forms R362S, R409S, R441S.
Identifiers: ClinVar variation 4773118 (VCV004773118.1).
Genomic context (GRCh38, chr5:74,738,411, plus strand): 5'-AGCAGTCAATGAAGGGATTTCTACATGTTGGTCAGCAAACGGCAAAAGCAGACGACTTAT[T>A]CTCTCCCTGTAAAATCACAATTTTATGTTAGTAAAAGTATTTTTAAAGAAGTGCATACAG-3'
Protein context (NP_115756.2, residues 399-419): IHNINGNCTE[Arg409Ser]ISRLLLPFAD

ClinVar aggregate classification (germline): Uncertain significance (1 of 4 stars; one submission).

Submission:

Labcorp Genetics (formerly Invitae), Labcorp
Classification: Uncertain significance. Last evaluated: 2025-02-27. Review status: criteria provided, single submitter. Criteria: Invitae Variant Classification Sherloc (09022015). Collection method: clinical testing. Allele origin: germline.
Comment: This sequence change replaces arginine, which is basic and polar, with serine, which is neutral and polar, at codon 409 of the GFM2 protein (p.Arg409Ser). This variant is not present in population databases (gnomAD no frequency). This variant has not been reported in the literature in individuals affected with GFM2-related conditions. Invitae Evidence Modeling of protein sequence and biophysical properties (such as structural, functional, and spatial information, amino acid conservation, physicochemical variation, residue mobility, and thermodynamic stability) indicates that this missense variant is not expected to disrupt GFM2 protein function with a negative predictive value of 80%. In summary, the available evidence is currently insufficient to determine the role of this variant in disease. Therefore, it has been classified as a Variant of Uncertain Significance.